The following is an entry in ClinVar:

ClinVar aggregate classification (germline): Uncertain significance (1 of 4 stars; one submission).

Conditions:
Inborn genetic diseases. Identifiers: MedGen C0950123, MeSH D030342.

Submission:

Ambry Genetics
Classification: Uncertain significance for Inborn genetic diseases. Last evaluated: 2023-10-08. Review status: criteria provided, single submitter. Criteria: Ambry Variant Classification Scheme 2023. Collection method: clinical testing. Allele origin: germline.
Comment: The p.Q445E variant (also known as c.1333C>G), located in coding exon 10 of the ACD gene, results from a C to G substitution at nucleotide position 1333. The glutamine at codon 445 is replaced by glutamic acid, an amino acid with highly similar properties. This amino acid position is conserved. In addition, this alteration is predicted to be tolerated by in silico analysis. Since supporting evidence is limited at this time, the clinical significance of this alteration remains unclear.

NM_001082486.2(ACD):c.1075C>G (p.Gln359Glu)

Gene: ACD (ACD shelterin complex subunit and telomerase recruitment factor; minus strand). Cytogenetic location: 16q22.1.
Variant type: single nucleotide variant.
Coding change: c.1075C>G on transcript NM_001082486.2 (MANE Select); coding-DNA position 1075, C replaced by G.
Protein change: p.Gln359Glu; replaces glutamine 359 with glutamic acid.
Molecular consequence: missense variant.
Genome position (GRCh38, 1-based): chr16:67,658,117, G>C on the plus strand (C>G on the coding strand, the complement: ACD is on the minus strand). VCF-style: chr16-67658117-G-C. GRCh37 (hg19) VCF-style: chr16-67692020-G-C.
Other names: c.988C>G, p.Gln330Glu (NM_001410884.1); c.1066C>G, p.Gln356Glu (NM_022914.3); short protein forms Q330E, Q356E, Q359E.
Identifiers: ClinVar variation 3232641 (VCV003232641.1), dbSNP rs1311933383, ClinGen allele CA396352216.